The following is an entry in ClinVar:

NM_032119.4(ADGRV1):c.10424T>G (p.Leu3475Arg)

Gene: ADGRV1 (adhesion G protein-coupled receptor V1; plus strand). Cytogenetic location: 5q14.3.
Variant type: single nucleotide variant.
Coding change: c.10424T>G on transcript NM_032119.4 (MANE Select); coding-DNA position 10424, T replaced by G.
Protein change: p.Leu3475Arg; replaces leucine 3475 with arginine.
Molecular consequence: missense variant. On other transcripts: non-coding transcript variant (1).
Genome position (GRCh38, 1-based): chr5:90,728,931, T>G. VCF-style: chr5-90728931-T-G. GRCh37 (hg19) VCF-style: chr5-90024748-T-G.
Other names: c.10424T>G (NM_032119.3); short protein forms L3475R.
Identifiers: ClinVar variation 1523946 (VCV001523946.6), dbSNP rs1271176380, ClinGen allele CA360404824.
Genomic context (GRCh38, chr5:90,728,931, plus strand): 5'-AAGTTGAGGCTTTGTCTTCAGCCAATGATATTTACCTAATATTTGCCGAAAATGTCTTTC[T>G]AGGTGAGAAGATAAAGTATTTGTAGTGTATATATAATTATTGAAATCATCTAGCATTCAT-3'
Protein context (NP_115495.3, residues 3465-3485): IYLIFAENVF[Leu3475Arg]GDQNSIDIFI

ClinVar aggregate classification (germline): Uncertain significance. Review status: criteria provided, multiple submitters, no conflicts (2 of 4 stars). 2 submissions from 2 submitters: Uncertain significance (2). Last evaluated 2025-08-22.

Conditions:
Inborn genetic diseases. Identifiers: MedGen C0950123, MeSH D030342.

Allele frequency attached by ClinVar (database versions not stated): gnomAD 0.00001; gnomAD exomes 0.00001; TOPMed 0.00001.
gnomAD v4.1: 9 of 1,599,920 alleles (0.00056%); highest among the groups gnomAD compares: Non-Finnish European, 0.00077%; no homozygotes.

Submissions (2):

Ambry Genetics
Classification: Uncertain significance for Inborn genetic diseases. Last evaluated: 2025-08-22. Review status: criteria provided, single submitter. Criteria: Ambry Variant Classification Scheme 2023. Collection method: clinical testing. Allele origin: germline.

Labcorp Genetics (formerly Invitae), Labcorp
Classification: Uncertain significance. Last evaluated: 2022-08-08. Review status: criteria provided, single submitter. Criteria: Invitae Variant Classification Sherloc (09022015). Collection method: clinical testing. Allele origin: germline.
Comment: This sequence change replaces leucine, which is neutral and non-polar, with arginine, which is basic and polar, at codon 3475 of the ADGRV1 protein (p.Leu3475Arg). This variant is not present in population databases (gnomAD no frequency). This variant has not been reported in the literature in individuals affected with ADGRV1-related conditions. ClinVar contains an entry for this variant (Variation ID: 1523946). Algorithms developed to predict the effect of missense changes on protein structure and function are either unavailable or do not agree on the potential impact of this missense change (SIFT: "Deleterious"; PolyPhen-2: "Benign"; Align-GVGD: "Class C0"). Algorithms developed to predict the effect of sequence changes on RNA splicing suggest that this variant may create or strengthen a splice site. In summary, the available evidence is currently insufficient to determine the role of this variant in disease. Therefore, it has been classified as a Variant of Uncertain Significance.